The following is an entry in ClinVar:

NM_001009999.3(KDM1A):c.472G>A (p.Ala158Thr)

Gene: KDM1A (lysine demethylase 1A; plus strand). Cytogenetic location: 1p36.12.
Variant type: single nucleotide variant.
Coding change: c.472G>A on transcript NM_001009999.3 (MANE Select); coding-DNA position 472, G replaced by A.
Protein change: p.Ala158Thr; replaces alanine 158 with threonine.
Molecular consequence: missense variant.
Genome position (GRCh38, 1-based): chr1:23,030,589, G>A. VCF-style: chr1-23030589-G-A. GRCh37 (hg19) VCF-style: chr1-23357082-G-A.
Other names: c.472G>A, p.Ala158Thr (NM_001363654.2, NM_001410762.1, NM_001410763.1 and 1 more transcripts); short protein forms A158T.
Identifiers: ClinVar variation 3863336 (VCV003863336.1).
Genomic context (GRCh38, chr1:23,030,589, plus strand): 5'-GAAGAAGAGAGAAATGCCAAAGCAGAGAAGGAAAAGAAGCTTCCCCCACCACCCCCTCAA[G>A]CCCCACCTGAGGAAGAAAATGAAAGTGAGCCTGAAGAACCATCGGGTGAGTTGTAGTATC-3'
Protein context (NP_001009999.1, residues 148-168): EKKLPPPPPQ[Ala158Thr]PPEEENESEP

ClinVar aggregate classification (germline): Uncertain significance (1 of 4 stars; one submission).

Conditions:
Inborn genetic diseases. Identifiers: MedGen C0950123, MeSH D030342.

Submission:

Ambry Genetics
Classification: Uncertain significance for Inborn genetic diseases. Last evaluated: 2025-02-20. Review status: criteria provided, single submitter. Criteria: Ambry Variant Classification Scheme 2023. Collection method: clinical testing. Allele origin: germline.
Comment: The p.A158T variant (also known as c.472G>A), located in coding exon 2 of the KDM1A gene, results from a G to A substitution at nucleotide position 472. The alanine at codon 158 is replaced by threonine, an amino acid with similar properties. This amino acid position is conserved. In addition, this alteration is predicted to be tolerated by in silico analysis. Based on the available evidence, the clinical significance of this variant remains unclear.